The following is an entry in ClinVar:

NM_000944.5(PPP3CA):c.929A>T (p.Asn310Ile)

Gene: PPP3CA (protein phosphatase 3 catalytic subunit alpha; minus strand). Cytogenetic location: 4q24.
Variant type: single nucleotide variant.
Coding change: c.929A>T on transcript NM_000944.5 (MANE Select); coding-DNA position 929, A replaced by T.
Protein change: p.Asn310Ile; replaces asparagine 310 with isoleucine.
Molecular consequence: missense variant.
Genome position (GRCh38, 1-based): chr4:101,080,558, T>A on the plus strand (A>T on the coding strand, the complement: PPP3CA is on the minus strand). VCF-style: chr4-101080558-T-A. GRCh37 (hg19) VCF-style: chr4-102001715-T-A.
Other names: c.929A>T, p.Asn310Ile (NM_001130691.2, NM_001130692.2); short protein forms N310I.
Identifiers: ClinVar variation 1385355 (VCV001385355.6), dbSNP rs2110239107, ClinGen allele CA357949543.

ClinVar aggregate classification (germline): Uncertain significance (1 of 4 stars; one submission).

Submission:

Labcorp Genetics (formerly Invitae), Labcorp
Classification: Uncertain significance. Last evaluated: 2021-08-11. Review status: criteria provided, single submitter. Criteria: Invitae Variant Classification Sherloc (09022015). Collection method: clinical testing. Allele origin: germline.
Comment: In summary, the available evidence is currently insufficient to determine the role of this variant in disease. Therefore, it has been classified as a Variant of Uncertain Significance. Algorithms developed to predict the effect of missense changes on protein structure and function are either unavailable or do not agree on the potential impact of this missense change (SIFT: "Deleterious"; PolyPhen-2: "Probably Damaging"; Align-GVGD: "Class C15"). This variant has not been reported in the literature in individuals affected with PPP3CA-related conditions. This variant is not present in population databases (ExAC no frequency). This sequence change replaces asparagine with isoleucine at codon 310 of the PPP3CA protein (p.Asn310Ile). The asparagine residue is highly conserved and there is a large physicochemical difference between asparagine and isoleucine.